The following is an entry in ClinVar:

ClinVar aggregate classification (germline): Uncertain significance (1 of 4 stars; one submission).

Conditions:
Hereditary cancer-predisposing syndrome. Also called: Neoplastic Syndromes, Hereditary; Hereditary Cancer Syndrome; Hereditary neoplastic syndrome; Tumor predisposition. Identifiers: Orphanet 140162, MedGen C0027672, MeSH D009386, MONDO:0015356.

Submission:

Ambry Genetics
Classification: Uncertain significance for Hereditary cancer-predisposing syndrome. Last evaluated: 2026-06-04. Review status: criteria provided, single submitter. Criteria: Ambry Variant Classification Scheme 2023. Collection method: clinical testing. Allele origin: germline.
Comment: The p.T260P variant (also known as c.778A>C), located in coding exon 6 of the FH gene, results from an A to C substitution at nucleotide position 778. The threonine at codon 260 is replaced by proline, an amino acid with highly similar properties. This amino acid position is conserved. In addition, the in silico prediction for this alteration is inconclusive. Based on the available evidence, the clinical significance of this variant remains unclear.

NM_000143.4(FH):c.778A>C (p.Thr260Pro)

Gene: FH (fumarate hydratase; minus strand). Cytogenetic location: 1q43.
Variant type: single nucleotide variant.
Coding change: c.778A>C on transcript NM_000143.4 (MANE Select); coding-DNA position 778, A replaced by C.
Protein change: p.Thr260Pro; replaces threonine 260 with proline.
Molecular consequence: missense variant.
Genome position (GRCh38, 1-based): chr1:241,506,129, T>G on the plus strand (A>C on the coding strand, the complement: FH is on the minus strand). VCF-style: chr1-241506129-T-G. GRCh37 (hg19) VCF-style: chr1-241669429-T-G.
Other names: short protein forms T260P.
Identifiers: ClinVar variation 4871310 (VCV004871310.1).